The following is an entry in ClinVar:

ClinVar aggregate classification (germline): Benign. Review status: criteria provided, multiple submitters, no conflicts (2 of 4 stars). 3 submissions from 3 submitters: Benign (3). Last evaluated 2021-05-13.

Conditions:
Phosphoenolpyruvate carboxykinase deficiency, cytosolic (PCKDC). Also called: PCK1 DEFICIENCY, CYTOSOLIC; PEPCK DEFICIENCY, CYTOSOLIC. Identifiers: Orphanet 2880, MedGen C5574905, MONDO:0009866, OMIM 261680.

Allele frequency attached by ClinVar (database versions not stated): gnomAD exomes 0.35797; 1000 Genomes Project 0.42432; 1000 Genomes Project 30x 0.43067; gnomAD 0.44279 and 0.45356; TOPMed 0.45198.
gnomAD v4.1: 260,009 of 688,420 alleles (38%); highest among the groups gnomAD compares: African/African-American, 68%; 53,196 homozygotes.

Submissions (3):

GeneDx
Classification: Benign. Last evaluated: 2021-05-13. Review status: criteria provided, single submitter. Criteria: GeneDx Variant Classification Process June 2021. Collection method: clinical testing. Allele origin: germline. Affected: yes.

Illumina Laboratory Services, Illumina
Classification: Benign for Phosphoenolpyruvate carboxykinase deficiency, cytosolic. Last evaluated: 2018-01-12. Review status: criteria provided, single submitter. Criteria: ICSL Variant Classification Criteria 13 December 2019. Collection method: clinical testing. Allele origin: germline.
Comment: This variant was observed in the ICSL laboratory as part of a predisposition screen in an ostensibly healthy population. It had not been previously curated by ICSL or reported in the Human Gene Mutation Database (HGMD: prior to June 1st, 2018), and was therefore a candidate for classification through an automated scoring system. Utilizing variant allele frequency, disease prevalence and penetrance estimates, and inheritance mode, an automated score was calculated to assess if this variant is too frequent to cause the disease. Based on the score and internal cut-off values, a variant classified as benign is not then subjected to further curation. The score for this variant resulted in a classification of benign for this disease.

Breakthrough Genomics
Classification: Benign. Review status: criteria provided, single submitter. Criteria: ACMG Guidelines, 2015. Collection method: not provided. Allele origin: germline. Inheritance: Autosomal recessive inheritance. Affected: yes.

NM_002591.4(PCK1):c.*120T>G

Gene: PCK1 (phosphoenolpyruvate carboxykinase 1; plus strand). Cytogenetic location: 20q13.31.
Variant type: single nucleotide variant.
Coding change: c.*120T>G on transcript NM_002591.4 (MANE Select); 120 bases downstream of the stop codon, T replaced by G.
Molecular consequence: 3 prime UTR variant.
Genome position (GRCh38, 1-based): chr20:57,565,924, T>G. VCF-style: chr20-57565924-T-G. GRCh37 (hg19) VCF-style: chr20-56140980-T-G.
Identifiers: ClinVar variation 338898 (VCV000338898.7), dbSNP rs1042531, ClinGen allele CA10653265.